The following is an entry in ClinVar:

ClinVar aggregate classification (germline): Uncertain significance (1 of 4 stars; one submission).

Conditions:
Alstrom syndrome (ALMS). Identifiers: Orphanet 64, MedGen C0268425, MONDO:0008763, OMIM 203800.

Allele frequency attached by ClinVar (database versions not stated): gnomAD exomes below 0.00001.
gnomAD v4.1: 3 of 1,612,350 alleles (0.00019%); highest among the groups gnomAD compares: Non-Finnish European, 0.00017%; no homozygotes.

Submission:

Labcorp Genetics (formerly Invitae), Labcorp
Classification: Uncertain significance for Alstrom syndrome. Last evaluated: 2020-12-12. Review status: criteria provided, single submitter. Criteria: Invitae Variant Classification Sherloc (09022015). Collection method: clinical testing. Allele origin: germline.
Comment: This sequence change replaces arginine with lysine at codon 2793 of the ALMS1 protein (p.Arg2793Lys). The arginine residue is weakly conserved and there is a small physicochemical difference between arginine and lysine. This variant is not present in population databases (ExAC no frequency). This variant has not been reported in the literature in individuals with ALMS1-related conditions. Experimental studies and prediction algorithms are not available or were not evaluated, and the functional significance of this variant is currently unknown. In summary, the available evidence is currently insufficient to determine the role of this variant in disease. Therefore, it has been classified as a Variant of Uncertain Significance.

NM_001378454.1(ALMS1):c.8375G>A (p.Arg2792Lys)

Gene: ALMS1 (ALMS1 centrosome and basal body associated protein; plus strand). Cytogenetic location: 2p13.1.
Variant type: single nucleotide variant.
Coding change: c.8375G>A on transcript NM_001378454.1 (MANE Select); coding-DNA position 8375, G replaced by A.
Protein change: p.Arg2792Lys; replaces arginine 2792 with lysine.
Molecular consequence: missense variant.
Genome position (GRCh38, 1-based): chr2:73,490,334, G>A. VCF-style: chr2-73490334-G-A. GRCh37 (hg19) VCF-style: chr2-73717461-G-A.
Other names: c.8378G>A, p.Arg2793Lys (NM_015120.4); short protein forms R2792K, R2793K.
Identifiers: ClinVar variation 1999184 (VCV001999184.1), dbSNP rs1371831589, ClinGen allele CA347268539.
Genomic context (GRCh38, chr2:73,490,334, plus strand): 5'-CATCATTTAAAATGCATAGTAATTCACAAGATAAAGAAGTGACTATTTTAGCAGAAGGTA[G>A]AAGGCAAAGCCAAAAATTACCTGTTGATTTTGAGCGTTCTTTTCAAGAAGAAAAACCCTT-3'
Protein context (NP_001365383.1, residues 2782-2802): DKEVTILAEG[Arg2792Lys]RQSQKLPVDF